The following is an entry in ClinVar:

NM_021147.5(CCNO):c.773C>G (p.Ala258Gly)

Gene: CCNO (cyclin O; minus strand). Cytogenetic location: 5q11.2.
Variant type: single nucleotide variant.
Coding change: c.773C>G on transcript NM_021147.5 (MANE Select); coding-DNA position 773, C replaced by G.
Protein change: p.Ala258Gly; replaces alanine 258 with glycine.
Molecular consequence: missense variant. On other transcripts: non-coding transcript variant (3).
Genome position (GRCh38, 1-based): chr5:55,231,655, G>C on the plus strand (C>G on the coding strand, the complement: CCNO is on the minus strand). VCF-style: chr5-55231655-G-C. GRCh37 (hg19) VCF-style: chr5-54527483-G-C.
Other names: c.773C>G (NM_021147.3); short protein forms A258G.
Identifiers: ClinVar variation 2195026 (VCV002195026.2), dbSNP rs368825448, ClinGen allele CA3266687.

ClinVar aggregate classification (germline): Uncertain significance. Review status: criteria provided, multiple submitters, no conflicts (2 of 4 stars). 2 submissions from 2 submitters: Uncertain significance (2). Last evaluated 2025-09-10.

Conditions:
Primary ciliary dyskinesia. Also called: Ciliary dyskinesia. Identifiers: Orphanet 244, MedGen C0008780, MONDO:0016575, HP:0012265.
Inborn genetic diseases. Identifiers: MedGen C0950123, MeSH D030342.

Allele frequency attached by ClinVar (database versions not stated): 1000 Genomes Project 30x 0.00016; 1000 Genomes Project 0.00020.

Submissions (2):

Ambry Genetics
Classification: Uncertain significance for Inborn genetic diseases. Last evaluated: 2025-09-10. Review status: criteria provided, single submitter. Criteria: Ambry Variant Classification Scheme 2023. Collection method: clinical testing. Allele origin: germline.

Labcorp Genetics (formerly Invitae), Labcorp
Classification: Uncertain significance for Primary ciliary dyskinesia. Last evaluated: 2022-03-01. Review status: criteria provided, single submitter. Criteria: Invitae Variant Classification Sherloc (09022015). Collection method: clinical testing. Allele origin: germline.
Comment: This sequence change replaces alanine, which is neutral and non-polar, with glycine, which is neutral and non-polar, at codon 258 of the CCNO protein (p.Ala258Gly). This variant is present in population databases (rs368825448, gnomAD 0.02%). This variant has not been reported in the literature in individuals affected with CCNO-related conditions. Algorithms developed to predict the effect of missense changes on protein structure and function are either unavailable or do not agree on the potential impact of this missense change (SIFT: "Tolerated"; PolyPhen-2: "Probably Damaging"; Align-GVGD: "Class C0"). In summary, the available evidence is currently insufficient to determine the role of this variant in disease. Therefore, it has been classified as a Variant of Uncertain Significance.